The following is an entry in ClinVar:

ClinVar aggregate classification (germline): Uncertain significance (1 of 4 stars; one submission).

Conditions:
Emery-Dreifuss muscular dystrophy 5, autosomal dominant (EDMD5). Also called: EMERY-DREIFUSS MUSCULAR DYSTROPHY 5. Identifiers: Orphanet 261, MedGen C2751805, MONDO:0013072, OMIM 612999.

Allele frequency attached by ClinVar (database versions not stated): TOPMed 0.00001; ExAC 0.00002; gnomAD 0.00002; gnomAD exomes 0.00004 and 0.00009.
gnomAD v4.1: 135 of 1,612,672 alleles (0.0084%); highest among the groups gnomAD compares: Non-Finnish European, 0.011%; no homozygotes.

Submission:

Labcorp Genetics (formerly Invitae), Labcorp
Classification: Uncertain significance for Emery-Dreifuss muscular dystrophy 5, autosomal dominant. Last evaluated: 2022-04-24. Review status: criteria provided, single submitter. Criteria: Invitae Variant Classification Sherloc (09022015). Collection method: clinical testing. Allele origin: germline.
Comment: In summary, the available evidence is currently insufficient to determine the role of this variant in disease. Therefore, it has been classified as a Variant of Uncertain Significance. Algorithms developed to predict the effect of missense changes on protein structure and function (SIFT, PolyPhen-2, Align-GVGD) all suggest that this variant is likely to be tolerated. This variant has not been reported in the literature in individuals affected with SYNE2-related conditions. This variant is present in population databases (rs755461661, gnomAD 0.006%). This sequence change replaces methionine, which is neutral and non-polar, with isoleucine, which is neutral and non-polar, at codon 2849 of the SYNE2 protein (p.Met2849Ile).

NM_182914.3(SYNE2):c.8547G>T (p.Met2849Ile)

Gene: SYNE2 (spectrin repeat containing nuclear envelope protein 2; plus strand). Cytogenetic location: 14q23.2.
Variant type: single nucleotide variant.
Coding change: c.8547G>T on transcript NM_182914.3 (MANE Select); coding-DNA position 8547, G replaced by T.
Protein change: p.Met2849Ile; replaces methionine 2849 with isoleucine.
Molecular consequence: missense variant.
Genome position (GRCh38, 1-based): chr14:64,052,460, G>T. VCF-style: chr14-64052460-G-T. GRCh37 (hg19) VCF-style: chr14-64519178-G-T.
Other names: c.8547G>T, p.Met2849Ile (NM_015180.6); short protein forms M2849I.
Identifiers: ClinVar variation 1511686 (VCV001511686.8), dbSNP rs755461661, ClinGen allele CA7221127.